The following is an entry in ClinVar:

ClinVar aggregate classification (germline): Uncertain significance (1 of 4 stars; one submission).

Allele frequency attached by ClinVar (database versions not stated): ExAC 0.00001; TOPMed 0.00002; gnomAD 0.00003; ESP Exome Variant Server 0.00015.

Submission:

Greenwood Genetic Center Diagnostic Laboratories, Greenwood Genetic Center
Classification: Uncertain significance. Last evaluated: 2023-11-06. Review status: criteria provided, single submitter. Criteria: ACMG Guidelines, 2015. Collection method: clinical testing. Allele origin: germline. Affected: yes.
Comment: PM2

NM_003754.3(EIF3F):c.1000C>T (p.Leu334Phe)

Gene: EIF3F (eukaryotic translation initiation factor 3 subunit F; plus strand). Cytogenetic location: 11p15.4.
Variant type: single nucleotide variant.
Coding change: c.1000C>T on transcript NM_003754.3 (MANE Select); coding-DNA position 1000, C replaced by T.
Protein change: p.Leu334Phe; replaces leucine 334 with phenylalanine.
Molecular consequence: missense variant.
Genome position (GRCh38, 1-based): chr11:7,995,948, C>T. VCF-style: chr11-7995948-C-T. GRCh37 (hg19) VCF-style: chr11-8017495-C-T.
Other names: short protein forms L334F.
Identifiers: ClinVar variation 2692443 (VCV002692443.1), dbSNP rs149594374, ClinGen allele CA5870762.